The following is an entry in ClinVar:

ClinVar aggregate classification (germline): Pathogenic (1 of 4 stars; one submission).

Submission:

GeneDx
Classification: Pathogenic. Last evaluated: 2025-02-18. Review status: criteria provided, single submitter. Criteria: GeneDx Variant Classification Process June 2021. Collection method: clinical testing. Allele origin: germline. Affected: yes.
Comment: Nonsense variant predicted to result in protein truncation or nonsense mediated decay in a gene for which loss of function is a known mechanism of disease; Not observed at significant frequency in large population cohorts (gnomAD); Has not been previously published as pathogenic or benign to our knowledge

NM_000548.5(TSC2):c.4571C>A (p.Ser1524Ter)

Gene: TSC2 (TSC complex subunit 2; plus strand). Cytogenetic location: 16p13.3.
Variant type: single nucleotide variant.
Coding change: c.4571C>A on transcript NM_000548.5 (MANE Select); coding-DNA position 4571, C replaced by A.
Protein change: p.Ser1524Ter; replaces serine 1524 with a stop codon.
Molecular consequence: nonsense.
Genome position (GRCh38, 1-based): chr16:2,085,231, C>A. VCF-style: chr16-2085231-C-A. GRCh37 (hg19) VCF-style: chr16-2135232-C-A.
Other names: c.4370C>A, p.Ser1457Ter (NM_001077183.3); c.4502C>A, p.Ser1501Ter (NM_001114382.3); c.4262C>A, p.Ser1421Ter (NM_001318827.2); c.4226C>A, p.Ser1409Ter (NM_001318829.2); c.3839C>A, p.Ser1280Ter (NM_001318831.2); c.4403C>A, p.Ser1468Ter (NM_001318832.2); c.4373C>A, p.Ser1458Ter (NM_001363528.2); c.4439C>A, p.Ser1480Ter (NM_001370404.1); and 1 more; short protein forms S1524*, S1481*, S1409*, S1480*, S1501*, S1458*, S1280*, S1421*.
Identifiers: ClinVar variation 620252 (VCV000620252.2), dbSNP rs1441428144, ClinGen allele CA394304297.